The following is an entry in ClinVar:

ClinVar aggregate classification (germline): Uncertain significance. Review status: criteria provided, multiple submitters, no conflicts (2 of 4 stars). 2 submissions from 2 submitters: Uncertain significance (2). Last evaluated 2026-07-07.

Conditions:
Hereditary cancer-predisposing syndrome. Also called: Tumor predisposition; Hereditary Cancer Syndrome; Hereditary neoplastic syndrome; Neoplastic Syndromes, Hereditary. Identifiers: Orphanet 140162, MedGen C0027672, MeSH D009386, MONDO:0015356.
Gastrointestinal stromal tumor. Also called: Gastrointestinal stromal tumor, somatic; Gastrointestinal stroma tumor. Identifiers: Orphanet 44890, MedGen C0238198, MeSH D046152, MONDO:0011719, OMIM 606764, HP:0100723.

Allele frequency attached by ClinVar (database versions not stated): gnomAD exomes below 0.00001.
gnomAD v4.1: 2 of 1,613,066 alleles (0.00012%); highest among the groups gnomAD compares: Non-Finnish European, 0.00017%; no homozygotes.

Submissions (2):

Ambry Genetics
Classification: Uncertain significance for Hereditary cancer-predisposing syndrome. Last evaluated: 2026-07-07. Review status: criteria provided, single submitter. Criteria: Ambry Variant Classification Scheme 2023. Collection method: clinical testing. Allele origin: germline.
Comment: The p.V982A variant (also known as c.2945T>C), located in coding exon 21 of the PDGFRA gene, results from a T to C substitution at nucleotide position 2945. The valine at codon 982 is replaced by alanine, an amino acid with similar properties. This amino acid position is conserved. In addition, this alteration is predicted to be tolerated by in silico analysis. Based on the available evidence, the clinical significance of this variant remains unclear.

Labcorp Genetics (formerly Invitae), Labcorp
Classification: Uncertain significance for Gastrointestinal stromal tumor. Last evaluated: 2022-07-19. Review status: criteria provided, single submitter. Criteria: Invitae Variant Classification Sherloc (09022015). Collection method: clinical testing. Allele origin: germline.
Comment: In summary, the available evidence is currently insufficient to determine the role of this variant in disease. Therefore, it has been classified as a Variant of Uncertain Significance. Algorithms developed to predict the effect of missense changes on protein structure and function (SIFT, PolyPhen-2, Align-GVGD) all suggest that this variant is likely to be tolerated. ClinVar contains an entry for this variant (Variation ID: 1050890). This variant has not been reported in the literature in individuals affected with PDGFRA-related conditions. This variant is present in population databases (no rsID available, gnomAD 0.0009%). This sequence change replaces valine, which is neutral and non-polar, with alanine, which is neutral and non-polar, at codon 982 of the PDGFRA protein (p.Val982Ala).

NM_006206.6(PDGFRA):c.2945T>C (p.Val982Ala)

Gene: PDGFRA (platelet derived growth factor receptor alpha; plus strand). Cytogenetic location: 4q12.
Variant type: single nucleotide variant.
Coding change: c.2945T>C on transcript NM_006206.6 (MANE Select); coding-DNA position 2945, T replaced by C.
Protein change: p.Val982Ala; replaces valine 982 with alanine.
Molecular consequence: missense variant.
Genome position (GRCh38, 1-based): chr4:54,290,377, T>C. VCF-style: chr4-54290377-T-C. GRCh37 (hg19) VCF-style: chr4-55156544-T-C.
Other names: c.2945T>C (NM_006206.4); c.3020T>C, p.Val1007Ala (NM_001347828.2); c.2945T>C, p.Val982Ala (NM_001347829.2); c.2984T>C, p.Val995Ala (NM_001347830.2); short protein forms V1007A, V982A, V995A.
Identifiers: ClinVar variation 1050890 (VCV001050890.10), dbSNP rs1314369942, ClinGen allele CA356896043.